The following is an entry in ClinVar:

ClinVar aggregate classification (germline): Conflicting classifications of pathogenicity. Review status: criteria provided, conflicting classifications (1 of 4 stars). 2 submissions from 2 submitters: Uncertain significance (1); Likely benign (1). Last evaluated 2024-08-28.

Allele frequency attached by ClinVar (database versions not stated): 1000 Genomes Project 30x 0.00031; TOPMed 0.00038; 1000 Genomes Project 0.00040; ESP Exome Variant Server 0.00062; ExAC 0.00076.
gnomAD v4.1: 811 of 1,614,154 alleles (0.05%); highest among the groups gnomAD compares: Non-Finnish European, 0.064%; no homozygotes.

Submissions (2):

Ambry Genetics
Classification: Uncertain significance. Last evaluated: 2024-08-28. Review status: criteria provided, single submitter. Criteria: Ambry Variant Classification Scheme 2023. Collection method: clinical testing. Allele origin: germline.

CeGaT Center for Human Genetics Tuebingen
Classification: Likely benign. Last evaluated: 2024-01-01. Review status: criteria provided, single submitter. Criteria: CeGaT Center For Human Genetics Tuebingen Variant Classification Criteria Version 2. Collection method: clinical testing. Allele origin: germline. Affected: yes. Observed: 1 variant allele.
Comment: PIGZ: BS1

NM_025163.4(PIGZ):c.464G>A (p.Arg155His)

Gene: PIGZ (phosphatidylinositol glycan anchor biosynthesis class Z (Gwada blood group); minus strand). Cytogenetic location: 3q29.
Variant type: single nucleotide variant.
Coding change: c.464G>A on transcript NM_025163.4 (MANE Select); coding-DNA position 464, G replaced by A.
Protein change: p.Arg155His; replaces arginine 155 with histidine.
Molecular consequence: missense variant.
Genome position (GRCh38, 1-based): chr3:196,948,433, C>T on the plus strand (G>A on the coding strand, the complement: PIGZ is on the minus strand). VCF-style: chr3-196948433-C-T. GRCh37 (hg19) VCF-style: chr3-196675304-C-T.
Other names: c.464G>A (NM_025163.2); short protein forms R155H.
Identifiers: ClinVar variation 3024894 (VCV003024894.23), dbSNP rs150001262, ClinGen allele CA2783925.